The following is an entry in ClinVar:

NM_000080.4(CHRNE):c.1166C>T (p.Pro389Leu)

Genes: CHRNE (cholinergic receptor nicotinic epsilon subunit; minus strand), LOC130060040 (ATAC-STARR-seq lymphoblastoid silent region 8049; plus strand). Cytogenetic location: 17p13.2.
Variant type: single nucleotide variant.
Coding change: c.1166C>T on transcript NM_000080.4 (MANE Select); coding-DNA position 1166, C replaced by T.
Protein change: p.Pro389Leu; replaces proline 389 with leucine.
Molecular consequence: missense variant.
Genome position (GRCh38, 1-based): chr17:4,899,251, G>A on the plus strand (C>T on the coding strand, the complement: CHRNE is on the minus strand). VCF-style: chr17-4899251-G-A. GRCh37 (hg19) VCF-style: chr17-4802546-G-A.
Other names: short protein forms P389L.
Identifiers: ClinVar variation 3666608 (VCV003666608.2).
Genomic context (GRCh38, chr17:4,899,251, plus strand): 5'-TGCTCACCCGTCCAGGTCCCCTGCCGGTGCCTCTGCCCCTCAAACACGAGCTCGCTCCGT[G>A]GCTTTTTCAGTATCAGCTCCTCCGCGCGGAGCAATAAGCCCACCGACGACGCCCGCCTTG-3'
Protein context (NP_000071.1, residues 379-399): LRAEELILKK[Pro389Leu]RSELVFEGQR

ClinVar aggregate classification (germline): Uncertain significance (1 of 4 stars; one submission).

Conditions:
Congenital myasthenic syndrome 4A. Also called: Myasthenic syndrome, congenital, 4a, slow-channel; MYASTHENIC SYNDROME, CONGENITAL, 4A, SLOW-CHANNEL, AUTOSOMAL RECESSIVE; CONGENITAL MYASTHENIC SYNDROME TYPE Ia1. Identifiers: Orphanet 590, MedGen C4225413, MONDO:0011600, OMIM 605809.

gnomAD v4.1: 7 of 1,606,264 alleles (0.00044%); highest among the groups gnomAD compares: South Asian, 0.0022%; no homozygotes.

Submission:

Labcorp Genetics (formerly Invitae), Labcorp
Classification: Uncertain significance for Congenital myasthenic syndrome 4A. Last evaluated: 2024-03-16. Review status: criteria provided, single submitter. Criteria: Invitae Variant Classification Sherloc (09022015). Collection method: clinical testing. Allele origin: germline.
Comment: This sequence change replaces proline, which is neutral and non-polar, with leucine, which is neutral and non-polar, at codon 389 of the CHRNE protein (p.Pro389Leu). This variant is not present in population databases (gnomAD no frequency). This variant has not been reported in the literature in individuals affected with CHRNE-related conditions. Advanced modeling of protein sequence and biophysical properties (such as structural, functional, and spatial information, amino acid conservation, physicochemical variation, residue mobility, and thermodynamic stability) performed at Invitae indicates that this missense variant is not expected to disrupt CHRNE protein function with a negative predictive value of 95%. In summary, the available evidence is currently insufficient to determine the role of this variant in disease. Therefore, it has been classified as a Variant of Uncertain Significance.